The following is an entry in ClinVar:

NM_001734.5(C1S):c.1865dup (p.Lys623fs)

Gene: C1S (complement C1s; plus strand). Cytogenetic location: 12p13.31.
Variant type: Duplication.
Coding change: c.1865dup on transcript NM_001734.5 (MANE Select); coding-DNA position 1865, one base duplicated (A; older notation c.1865dupA).
Protein change: p.Lys623fs; shifts the reading frame from lysine 623.
Molecular consequence: frameshift variant.
Genome position (GRCh38, 1-based): chr12:7,070,449, A duplicated. VCF-style (leftmost placement, unchanged base first): chr12-7070448-G-GA. GRCh37 (hg19) VCF-style: chr12-7177752-G-GA.
Other names: c.1364dup, p.Lys456fs (NM_001346850.2); c.1865dup, p.Lys623fs (NM_201442.4); short protein forms K623fs, K456fs.
Identifiers: ClinVar variation 2695526 (VCV002695526.3), dbSNP rs2539608980, ClinGen allele CA2697559105.

ClinVar aggregate classification (germline): Uncertain significance (1 of 4 stars; one submission).

Submission:

Labcorp Genetics (formerly Invitae), Labcorp
Classification: Uncertain significance. Last evaluated: 2023-11-13. Review status: criteria provided, single submitter. Criteria: Invitae Variant Classification Sherloc (09022015). Collection method: clinical testing. Allele origin: germline.
Comment: This sequence change creates a premature translational stop signal (p.Lys623Glufs*5) in the C1S gene. While this is not anticipated to result in nonsense mediated decay, it is expected to disrupt the last 66 amino acid(s) of the C1S protein. This variant is not present in population databases (gnomAD no frequency). This variant has not been reported in the literature in individuals affected with C1S-related conditions. Experimental studies and prediction algorithms are not available or were not evaluated, and the functional significance of this variant is currently unknown. In summary, the available evidence is currently insufficient to determine the role of this variant in disease. Therefore, it has been classified as a Variant of Uncertain Significance.